The following is an entry in ClinVar:

ClinVar aggregate classification (germline): Uncertain significance (1 of 4 stars; one submission).

Allele frequency attached by ClinVar (database versions not stated): gnomAD exomes below 0.00001.
gnomAD v4.1: 1 of 1,611,460 alleles (0.000062%); highest among the groups gnomAD compares: African/African-American, 0.0013%; no homozygotes.

Submission:

GeneDx
Classification: Uncertain significance. Last evaluated: 2022-10-05. Review status: criteria provided, single submitter. Criteria: GeneDx Variant Classification Process June 2021. Collection method: clinical testing. Allele origin: germline. Affected: yes.
Comment: Not observed at significant frequency in large population cohorts (gnomAD); In silico analysis supports that this missense variant does not alter protein structure/function; Has not been previously published as pathogenic or benign to our knowledge

NM_001080517.3(SETD5):c.1384A>G (p.Asn462Asp)

Gene: SETD5 (SET domain containing 5; plus strand). Cytogenetic location: 3p25.3.
Variant type: single nucleotide variant.
Coding change: c.1384A>G on transcript NM_001080517.3 (MANE Select); coding-DNA position 1384, A replaced by G.
Protein change: p.Asn462Asp; replaces asparagine 462 with aspartic acid.
Molecular consequence: missense variant.
Genome position (GRCh38, 1-based): chr3:9,445,244, A>G. VCF-style: chr3-9445244-A-G. GRCh37 (hg19) VCF-style: chr3-9486928-A-G.
Other names: c.1090A>G, p.Asn364Asp (NM_001292043.2, NM_001349451.2); short protein forms N364D, N462D.
Identifiers: ClinVar variation 2498025 (VCV002498025.1), dbSNP rs2472831098, ClinGen allele CA351693534.